The following is an entry in ClinVar:

NM_007118.4(TRIO):c.2392-11C>T

Gene: TRIO (trio Rho guanine nucleotide exchange factor; plus strand). Cytogenetic location: 5p15.2.
Variant type: single nucleotide variant.
Coding change: c.2392-11C>T on transcript NM_007118.4 (MANE Select); 11 bases into the intron before coding-DNA position 2392, C replaced by T.
Molecular consequence: intron variant.
Genome position (GRCh38, 1-based): chr5:14,363,721, C>T. VCF-style: chr5-14363721-C-T. GRCh37 (hg19) VCF-style: chr5-14363830-C-T.
Identifiers: ClinVar variation 1249268 (VCV001249268.4), dbSNP rs55751460, ClinGen allele CA3205907.

ClinVar aggregate classification (germline): Benign. Review status: criteria provided, multiple submitters, no conflicts (2 of 4 stars). 2 submissions from 2 submitters: Benign (2). Last evaluated 2023-05-11.

Allele frequency attached by ClinVar (database versions not stated): 1000 Genomes Project 0.02696; 1000 Genomes Project 30x 0.02889; ESP Exome Variant Server 0.03114; gnomAD 0.03798 and 0.03829; TOPMed 0.04341; gnomAD exomes 0.04473 and 0.05282; ExAC 0.04815.
gnomAD v4.1: 70,519 of 1,609,498 alleles (4.4%); highest among the groups gnomAD compares: Admixed American, 16%; 2,185 homozygotes.

Submissions (2):

GeneDx
Classification: Benign. Last evaluated: 2023-05-11. Review status: criteria provided, single submitter. Criteria: GeneDx Variant Classification Process June 2021. Collection method: clinical testing. Allele origin: germline. Affected: yes.
Comment: See Variant Classification Assertion Criteria.

Breakthrough Genomics
Classification: Benign. Review status: criteria provided, single submitter. Criteria: ACMG Guidelines, 2015. Collection method: not provided. Allele origin: germline. Inheritance: Autosomal dominant inheritance. Affected: yes.